The following is an entry in ClinVar:

ClinVar aggregate classification (germline): Uncertain significance (1 of 4 stars; one submission).

Conditions:
Congenital disorder of glycosylation, type Iaa. Also called: Congenital disorder of glycosylation, type 1aa. Identifiers: MedGen C4310727, MONDO:0014904, OMIM 617082.

gnomAD v4.1: 10 of 1,611,018 alleles (0.00062%); highest among the groups gnomAD compares: Non-Finnish European, 0.00085%; no homozygotes.

Submission:

Labcorp Genetics (formerly Invitae), Labcorp
Classification: Uncertain significance for Congenital disorder of glycosylation, type Iaa. Last evaluated: 2025-11-25. Review status: criteria provided, single submitter. Criteria: Invitae Variant Classification Sherloc (09022015). Collection method: clinical testing. Allele origin: germline.
Comment: This sequence change replaces leucine, which is neutral and non-polar, with phenylalanine, which is neutral and non-polar, at codon 159 of the NUS1 protein (p.Leu159Phe). This variant is present in population databases (no rsID available, gnomAD 0.0009%). This variant has not been reported in the literature in individuals affected with NUS1-related conditions. ClinVar contains an entry for this variant (Variation ID: 3000443). An algorithm developed to predict the effect of missense changes on protein structure and function (PolyPhen-2) suggests that this variant is likely to be tolerated. In summary, the available evidence is currently insufficient to determine the role of this variant in disease. Therefore, it has been classified as a Variant of Uncertain Significance.

NM_138459.5(NUS1):c.475C>T (p.Leu159Phe)

Gene: NUS1 (NUS1 dehydrodolichyl diphosphate synthase subunit; plus strand). Cytogenetic location: 6q22.1.
Variant type: single nucleotide variant.
Coding change: c.475C>T on transcript NM_138459.5 (MANE Select); coding-DNA position 475, C replaced by T.
Protein change: p.Leu159Phe; replaces leucine 159 with phenylalanine.
Molecular consequence: missense variant.
Genome position (GRCh38, 1-based): chr6:117,693,101, C>T. VCF-style: chr6-117693101-C-T. GRCh37 (hg19) VCF-style: chr6-118014264-C-T.
Other names: short protein forms L159F.
Identifiers: ClinVar variation 3000443 (VCV003000443.3), dbSNP rs915423342, ClinGen allele CA146433281.